The following is an entry in ClinVar:

NM_001376013.1(EPB41):c.1228G>T (p.Asp410Tyr)

Gene: EPB41 (erythrocyte membrane protein band 4.1; plus strand). Cytogenetic location: 1p35.3.
Variant type: single nucleotide variant.
Coding change: c.1228G>T on transcript NM_001376013.1 (MANE Select); coding-DNA position 1228, G replaced by T.
Protein change: p.Asp410Tyr; replaces aspartic acid 410 with tyrosine.
Molecular consequence: missense variant.
Genome position (GRCh38, 1-based): chr1:29,033,108, G>T. VCF-style: chr1-29033108-G-T. GRCh37 (hg19) VCF-style: chr1-29359620-G-T.
Other names: c.1228G>T, p.Asp410Tyr (NM_001166005.2, NM_001166006.2, NM_001376014.1 and 7 more transcripts); c.601G>T, p.Asp201Tyr (NM_001166007.2, NM_001376022.1, NM_001376023.1 and 7 more transcripts); c.1123G>T, p.Asp375Tyr (NM_203343.3); short protein forms D201Y, D375Y, D410Y.
Identifiers: ClinVar variation 3239143 (VCV003239143.21), dbSNP rs150835844.

ClinVar aggregate classification (germline): Uncertain significance. Review status: criteria provided, multiple submitters, no conflicts (2 of 4 stars). 3 submissions from 3 submitters: Uncertain significance (3). Last evaluated 2025-03-06.

Conditions:
Elliptocytosis 1 (EL1). Also called: 4.1- TRAIT; 4.1-MINUS TRAIT; ELLIPTOCYTOSIS, RHESUS-LINKED TYPE; PROTEIN 4.1 OF ERYTHROCYTE MEMBRANE, DEFECT OF. Identifiers: Orphanet 288, MedGen C2678497, MONDO:0012731, OMIM 611804.

Allele frequency attached by ClinVar (database versions not stated): gnomAD 0.00009; ExAC 0.00012; TOPMed 0.00013; gnomAD exomes 0.00014; ESP Exome Variant Server 0.00023.
gnomAD v4.1: 221 of 1,613,792 alleles (0.014%); highest among the groups gnomAD compares: Middle Eastern, 0.033%; 1 homozygote.

Submissions (3):

Labcorp Genetics (formerly Invitae), Labcorp
Classification: Uncertain significance. Last evaluated: 2025-03-06. Review status: criteria provided, single submitter. Criteria: Invitae Variant Classification Sherloc (09022015). Collection method: clinical testing. Allele origin: germline.
Comment: This sequence change replaces aspartic acid, which is acidic and polar, with tyrosine, which is neutral and polar, at codon 201 of the EPB41 protein (p.Asp201Tyr). This variant is present in population databases (rs150835844, gnomAD 0.03%). This variant has not been reported in the literature in individuals affected with EPB41-related conditions. ClinVar contains an entry for this variant (Variation ID: 3239143). Invitae Evidence Modeling of protein sequence and biophysical properties (such as structural, functional, and spatial information, amino acid conservation, physicochemical variation, residue mobility, and thermodynamic stability) indicates that this missense variant is expected to disrupt EPB41 protein function with a positive predictive value of 80%. In summary, the available evidence is currently insufficient to determine the role of this variant in disease. Therefore, it has been classified as a Variant of Uncertain Significance.

Revvity Omics, Revvity
Classification: Uncertain significance for Elliptocytosis 1. Last evaluated: 2024-06-26. Review status: criteria provided, single submitter. Criteria: ACMG Guidelines, 2015. Collection method: clinical testing. Allele origin: germline.

CeGaT Center for Human Genetics Tuebingen
Classification: Uncertain significance. Last evaluated: 2024-05-01. Review status: criteria provided, single submitter. Criteria: CeGaT Center For Human Genetics Tuebingen Variant Classification Criteria Version 2. Collection method: clinical testing. Allele origin: germline. Affected: yes. Observed: 1 variant allele.
Comment: EPB41: PP3